The following is an entry in ClinVar:

NM_001127222.2(CACNA1A):c.3079C>T (p.Arg1027Trp)

Gene: CACNA1A (calcium voltage-gated channel subunit alpha1 A; minus strand). Cytogenetic location: 19p13.13.
Variant type: single nucleotide variant.
Coding change: c.3079C>T on transcript NM_001127222.2 (MANE Select); coding-DNA position 3079, C replaced by T.
Protein change: p.Arg1027Trp; replaces arginine 1027 with tryptophan.
Molecular consequence: missense variant.
Genome position (GRCh38, 1-based): chr19:13,298,554, G>A on the plus strand (C>T on the coding strand, the complement: CACNA1A is on the minus strand). VCF-style: chr19-13298554-G-A. GRCh37 (hg19) VCF-style: chr19-13409368-G-A.
Other names: c.3091C>T, p.Arg1031Trp (NM_000068.4, NM_023035.3); c.3082C>T, p.Arg1028Trp (NM_001127221.2, NM_001174080.2); short protein forms R1027W, R1028W, R1031W.
Identifiers: ClinVar variation 1807540 (VCV001807540.6), dbSNP rs1064794406, ClinGen allele CA404342114.
Genomic context (GRCh38, chr19:13,298,554, plus strand): 5'-CATTATTAATGTTACCGTCATTCTGCGGATTCGAGGTCACCTCCACTTACTTCCTCCTCC[G>A]ATGCCTCCGCTCCTTGTCCTCCCTCCGCGCGTCCCCCTCGTACGTGGCTGGAGCGCCATG-3'
Protein context (NP_001120694.1, residues 1017-1037): ARREDKERRH[Arg1027Trp]RRKENQGSGV

ClinVar aggregate classification (germline): Uncertain significance. Review status: criteria provided, multiple submitters, no conflicts (2 of 4 stars). 2 submissions from 2 submitters: Uncertain significance (2). Last evaluated 2022-04-25.

Conditions:
Episodic ataxia type 2 (EA2). Also called: ATAXIA, EPISODIC, WITH NYSTAGMUS; ATAXIA, FAMILIAL PAROXYSMAL; CEREBELLAR ATAXIA, PAROXYSMAL, ACETAZOLAMIDE-RESPONSIVE; CEREBELLOPATHY, HEREDITARY PAROXYSMAL; EPISODIC ATAXIA, NYSTAGMUS-ASSOCIATED; ACETAZOLAMIDE-RESPONSIVE HEREDITARY PAROXYSMAL CEREBELLAR ATAXIA. Identifiers: Orphanet 97, MedGen C1720416, MONDO:0007163, OMIM 108500.
Developmental and epileptic encephalopathy, 42 (DEE42A). Also called: DEVELOPMENTAL AND EPILEPTIC ENCEPHALOPATHY 42A; EPILEPTIC ENCEPHALOPATHY, EARLY INFANTILE, 42A; Epileptic encephalopathy, early infantile, 42. Identifiers: MedGen C4310716, MONDO:0014917, OMIM 617106.

Submissions (2):

Labcorp Genetics (formerly Invitae), Labcorp
Classification: Uncertain significance for Developmental and epileptic encephalopathy, 42; Episodic ataxia type 2. Last evaluated: 2022-04-25. Review status: criteria provided, single submitter. Criteria: Invitae Variant Classification Sherloc (09022015). Collection method: clinical testing. Allele origin: germline.
Comment: This sequence change replaces arginine, which is basic and polar, with tryptophan, which is neutral and slightly polar, at codon 1028 of the CACNA1A protein (p.Arg1028Trp). In summary, the available evidence is currently insufficient to determine the role of this variant in disease. Therefore, it has been classified as a Variant of Uncertain Significance. Algorithms developed to predict the effect of missense changes on protein structure and function are either unavailable or do not agree on the potential impact of this missense change (SIFT: "Deleterious"; PolyPhen-2: "Probably Damaging"; Align-GVGD: "Class C0"). This variant has not been reported in the literature in individuals affected with CACNA1A-related conditions. The frequency data for this variant in the population databases is considered unreliable, as metrics indicate poor data quality at this position in the gnomAD database.

Athena Diagnostics
Classification: Uncertain significance. Last evaluated: 2021-06-11. Review status: criteria provided, single submitter. Criteria: Athena Diagnostics Criteria. Collection method: clinical testing. Allele origin: unknown.